The following is an entry in ClinVar:

ClinVar aggregate classification (germline): Uncertain significance. Review status: criteria provided, multiple submitters, no conflicts (2 of 4 stars). 2 submissions from 2 submitters: Uncertain significance (2). Last evaluated 2026-03-14.

Conditions:
DICER1-related tumor predisposition. Also called: DICER1 syndrome; DICER1-related pleuropulmonary blastoma cancer predisposition syndrome. Identifiers: Orphanet 284343, MedGen C3839822, MONDO:0100216.
Hereditary cancer-predisposing syndrome. Also called: Neoplastic Syndromes, Hereditary; Hereditary neoplastic syndrome; Tumor predisposition; Hereditary Cancer Syndrome. Identifiers: Orphanet 140162, MedGen C0027672, MeSH D009386, MONDO:0015356.

Submissions (2):

Ambry Genetics
Classification: Uncertain significance for Hereditary cancer-predisposing syndrome. Last evaluated: 2026-03-14. Review status: criteria provided, single submitter. Criteria: Ambry Variant Classification Scheme 2023. Collection method: clinical testing. Allele origin: germline.
Comment: The p.L274F variant (also known as c.822A>T), located in coding exon 6 of the DICER1 gene, results from an A to T substitution at nucleotide position 822. The leucine at codon 274 is replaced by phenylalanine, an amino acid with highly similar properties. This amino acid position is conserved. In addition, the in silico prediction for this alteration is inconclusive. Based on the available evidence, the clinical significance of this variant remains unclear.

Labcorp Genetics (formerly Invitae), Labcorp
Classification: Uncertain significance for DICER1-related tumor predisposition. Last evaluated: 2024-04-29. Review status: criteria provided, single submitter. Criteria: Invitae Variant Classification Sherloc (09022015). Collection method: clinical testing. Allele origin: germline.
Comment: This sequence change replaces leucine, which is neutral and non-polar, with phenylalanine, which is neutral and non-polar, at codon 274 of the DICER1 protein (p.Leu274Phe). This variant is not present in population databases (gnomAD no frequency). This variant has not been reported in the literature in individuals affected with DICER1-related conditions. ClinVar contains an entry for this variant (Variation ID: 650996). Advanced modeling of protein sequence and biophysical properties (such as structural, functional, and spatial information, amino acid conservation, physicochemical variation, residue mobility, and thermodynamic stability) performed at Invitae indicates that this missense variant is expected to disrupt DICER1 protein function with a positive predictive value of 80%. In summary, the available evidence is currently insufficient to determine the role of this variant in disease. Therefore, it has been classified as a Variant of Uncertain Significance.

NM_177438.3(DICER1):c.822A>T (p.Leu274Phe)

Gene: DICER1 (dicer 1, ribonuclease III; minus strand). Cytogenetic location: 14q32.13.
Variant type: single nucleotide variant.
Coding change: c.822A>T on transcript NM_177438.3 (MANE Select); coding-DNA position 822, A replaced by T.
Protein change: p.Leu274Phe; replaces leucine 274 with phenylalanine.
Molecular consequence: missense variant.
Genome position (GRCh38, 1-based): chr14:95,126,661, T>A on the plus strand (A>T on the coding strand, the complement: DICER1 is on the minus strand). VCF-style: chr14-95126661-T-A. GRCh37 (hg19) VCF-style: chr14-95592998-T-A.
Other names: c.822A>T, p.Leu274Phe (NM_001195573.1, NM_001271282.3, NM_001291628.2 and 1 more transcripts); short protein forms L274F.
Identifiers: ClinVar variation 650996 (VCV000650996.9), dbSNP rs1595447950, ClinGen allele CA390887635.